The following is an entry in ClinVar:

ClinVar aggregate classification (germline): Conflicting classifications of pathogenicity. Review status: criteria provided, conflicting classifications (1 of 4 stars). 3 submissions from 3 submitters: Uncertain significance (1); Likely benign (1). 1 of the submissions does not count toward it. Last evaluated 2026-07-13.

Conditions:
STIM1-related disorder. Also called: STIM1-related condition.

Allele frequency attached by ClinVar (database versions not stated): ExAC 0.00016.
gnomAD v4.1: 170 of 1,536,390 alleles (0.011%); highest among the groups gnomAD compares: African/African-American, 0.17%; no homozygotes.

Submissions (3):

GeneDx
Classification: Uncertain significance. Last evaluated: 2026-07-13. Review status: criteria provided, single submitter. Criteria: GeneDx Variant Classification Process June 2021. Collection method: clinical testing. Allele origin: germline.
Comment: Reported using an alternate transcript of the gene; In silico analysis suggests that this variant does not alter splicing; Has not been previously published as pathogenic or benign to our knowledge

Blueprint Genetics
Classification: Likely benign. Last evaluated: 2024-05-28. Review status: criteria provided, single submitter. Criteria: ACMG Guidelines, 2015. Collection method: clinical testing. Allele origin: germline.

PreventionGenetics, part of Exact Sciences
Classification: Likely benign for STIM1-related condition. Last evaluated: 2022-11-18. Review status: no assertion criteria provided. Collection method: clinical testing. Allele origin: germline. Not counted in ClinVar's aggregate classification.
Comment: This variant is classified as likely benign based on ACMG/AMP sequence variant interpretation guidelines (Richards et al. 2015 PMID: 25741868, with internal and published modifications).

NM_001382567.1(STIM1):c.1634+272C>G

Gene: STIM1 (stromal interaction molecule 1; plus strand). Cytogenetic location: 11p15.4.
Variant type: single nucleotide variant.
Coding change: c.1634+272C>G on transcript NM_001382567.1 (MANE Select); 272 bases into the intron after coding-DNA position 1634, C replaced by G.
Molecular consequence: intron variant. On other transcripts: missense variant (2).
Genome position (GRCh38, 1-based): chr11:4,086,815, C>G. VCF-style: chr11-4086815-C-G. GRCh37 (hg19) VCF-style: chr11-4108045-C-G.
Other names: c.1813C>G (NM_001277961.1); c.1813C>G, p.Pro605Ala (NM_001277961.3); c.1591C>G, p.Pro531Ala (NM_001382566.1); c.1319+272C>G (NM_001382578.1, NM_001382575.1, NM_001382576.1 and 2 more transcripts); c.1052+272C>G (NM_001382580.1, NM_001382581.1); c.1562+272C>G (NM_001382568.1); c.1541+272C>G (NM_001277962.2, NM_003156.4); c.1313+272C>G (NM_001382570.1); and 2 more; short protein forms P531A, P605A.
Identifiers: ClinVar variation 1706106 (VCV001706106.6), dbSNP rs746854219, ClinGen allele CA5830564.